The following is an entry in ClinVar:

ClinVar aggregate classification (germline): Conflicting classifications of pathogenicity. Review status: criteria provided, conflicting classifications (1 of 4 stars). 11 submissions from 11 submitters: Uncertain significance (1); Likely benign (7). 3 of the submissions do not count toward it. Last evaluated 2026-08-01.

Conditions:
Fanconi anemia (FA). Also called: Fanconi's anemia. Identifiers: Orphanet 84, MedGen C0015625, MeSH D005199, MONDO:0019391.
Fanconi anemia complementation group I (FANCI). Also called: FANCI-Related Fanconi Anemia. Identifiers: Orphanet 84, MedGen C1836861, MONDO:0012186, OMIM 609053.

Allele frequency attached by ClinVar (database versions not stated): 1000 Genomes Project 0.00020; 1000 Genomes Project 30x 0.00031; ExAC 0.00076; gnomAD exomes 0.00078; gnomAD 0.00115 and 0.00124; TOPMed 0.00124; ESP Exome Variant Server 0.00146.
gnomAD v4.1: 2,819 of 1,610,018 alleles (0.18%); highest among the groups gnomAD compares: Non-Finnish European, 0.23%; 5 homozygotes.

Submissions (17):

CeGaT Center for Human Genetics Tuebingen
Classification: Likely benign. Last evaluated: 2026-08-01. Review status: criteria provided, single submitter. Criteria: CeGaT Center For Human Genetics Tuebingen Variant Classification Criteria Version 2. Collection method: clinical testing. Allele origin: germline. Affected: yes. Observed: 9 variant alleles.
Comment: FANCI: BP4, BP7

Labcorp Genetics (formerly Invitae), Labcorp
Classification: Likely benign for Fanconi anemia. Last evaluated: 2026-01-19. Review status: criteria provided, single submitter. Criteria: Invitae Variant Classification Sherloc (09022015). Collection method: clinical testing. Allele origin: germline.

Mayo Clinic Laboratories, Mayo Clinic
Classification: Likely benign. Last evaluated: 2025-09-17. Review status: criteria provided, single submitter. Criteria: ACMG Guidelines, 2015. Collection method: clinical testing. Allele origin: germline. Observed: 1 variant allele.
Comment: BP4, BP7

ARUP Laboratories, Molecular Genetics and Genomics, ARUP Laboratories
Classification: Likely benign for Fanconi anemia complementation group I. Last evaluated: 2025-01-02. Review status: criteria provided, single submitter. Criteria: ARUP Molecular Germline Variant Investigation Process 2024. Collection method: clinical testing. Allele origin: germline.

Blueprint Genetics
Classification: Likely benign. Last evaluated: 2024-11-01. Review status: criteria provided, single submitter. Criteria: ACMG Guidelines, 2015. Collection method: clinical testing. Allele origin: germline.

GeneDx
Classification: Likely benign. Last evaluated: 2021-05-13. Review status: criteria provided, single submitter. Criteria: GeneDx Variant Classification Process June 2021. Collection method: clinical testing. Allele origin: germline. Affected: yes.

Sema4
Classification: Likely benign for Fanconi anemia. Last evaluated: 2021-02-25. Review status: criteria provided, single submitter. Criteria: Sema4 Curation Guidelines. Collection method: curation. Allele origin: germline.

Illumina Laboratory Services, Illumina
Classification: Uncertain significance for Fanconi anemia complementation group I. Last evaluated: 2018-01-13. Review status: criteria provided, single submitter. Criteria: ICSL Variant Classification Criteria 13 December 2019. Collection method: clinical testing. Allele origin: germline.

Clinical Genetics DNA and cytogenetics Diagnostics Lab, Erasmus MC, Erasmus Medical Center
Classification: Likely benign. Review status: no assertion criteria provided. Collection method: clinical testing. Allele origin: germline. Affected: yes. Study: VKGL Data-share Consensus. Not counted in ClinVar's aggregate classification.

Dr. Peter K. Rogan Lab, Western University
No classification provided (evidence only). Condition: Familial cancer of breast. Review status: no classification provided. Collection method: in vitro. Allele origin: not applicable. Functional consequence: retained intron. Not counted in ClinVar's aggregate classification.

Dr. Peter K. Rogan Lab, Western University
No classification provided (evidence only). Condition: Thyroid cancer, nonmedullary, 1. Review status: no classification provided. Collection method: in vitro. Allele origin: not applicable. Functional consequence: retained intron. Not counted in ClinVar's aggregate classification.

Dr. Peter K. Rogan Lab, Western University
No classification provided (evidence only). Condition: Uterine corpus endometrial carcinoma. Review status: no classification provided. Collection method: in vitro. Allele origin: not applicable. Functional consequence: retained intron. Not counted in ClinVar's aggregate classification.

Dr. Peter K. Rogan Lab, Western University
No classification provided (evidence only). Condition: Uterine corpus endometrial carcinoma. Review status: no classification provided. Collection method: in vitro. Allele origin: not applicable. Functional consequence: retained intron. Not counted in ClinVar's aggregate classification.

Dr. Peter K. Rogan Lab, Western University
No classification provided (evidence only). Condition: Ovarian serous cystadenocarcinoma. Review status: no classification provided. Collection method: in vitro. Allele origin: not applicable. Functional consequence: retained intron. Not counted in ClinVar's aggregate classification.

Dr. Peter K. Rogan Lab, Western University
No classification provided (evidence only). Condition: Gastric cancer. Review status: no classification provided. Collection method: in vitro. Allele origin: not applicable. Functional consequence: retained intron. Not counted in ClinVar's aggregate classification.

Genome Diagnostics Laboratory, Amsterdam University Medical Center
Classification: Likely benign. Review status: no assertion criteria provided. Collection method: clinical testing. Allele origin: germline. Affected: yes. Study: VKGL Data-share Consensus. Not counted in ClinVar's aggregate classification.

Laboratory of Diagnostic Genome Analysis, Leiden University Medical Center (LUMC)
Classification: Likely benign. Review status: no assertion criteria provided. Collection method: clinical testing. Allele origin: germline. Affected: yes. Study: VKGL Data-share Consensus. Not counted in ClinVar's aggregate classification.

NM_001113378.2(FANCI):c.753C>T (p.Asp251=)

Gene: FANCI (FA complementation group I; plus strand). Cytogenetic location: 15q26.1.
Variant type: single nucleotide variant.
Coding change: c.753C>T on transcript NM_001113378.2 (MANE Select); coding-DNA position 753, C replaced by T.
Protein change: p.Asp251=; no amino-acid change (aspartic acid 251 retained).
Molecular consequence: synonymous variant.
Genome position (GRCh38, 1-based): chr15:89,264,605, C>T. VCF-style: chr15-89264605-C-T. GRCh37 (hg19) VCF-style: chr15-89807836-C-T.
Other names: p.Asp251=; c.474C>T, p.Asp158= (NM_001376910.1); c.753C>T, p.Asp251= (NM_001376911.1, NM_018193.3).
Identifiers: ClinVar variation 238330 (VCV000238330.50), dbSNP rs151169233, ClinGen allele CA7722741.
Genomic context (GRCh38, chr15:89,264,605, plus strand): 5'-AGGAATCATAGCCTTCTTCAGTGCACTAGATAAGCAGCACAATGAGGAACAGAGTGGTGA[C>T]GAGTGAGTAATATAGTGTAGAAATAAAGATCATTTTTACAAATTCATCTTCTCATTGTGT-3'
Protein context (NP_001106849.1, residues 241-261): DKQHNEEQSG[Asp251=]ELLDVVTVPS